The following is an entry in ClinVar:

NM_001128205.2(SULF1):c.1459C>G (p.Gln487Glu)

Gene: SULF1 (sulfatase 1; plus strand). Cytogenetic location: 8q13.3.
Variant type: single nucleotide variant.
Coding change: c.1459C>G on transcript NM_001128205.2 (MANE Select); coding-DNA position 1459, C replaced by G.
Protein change: p.Gln487Glu; replaces glutamine 487 with glutamic acid.
Molecular consequence: missense variant. On other transcripts: non-coding transcript variant (7), 5 prime UTR variant (1).
Genome position (GRCh38, 1-based): chr8:69,621,116, C>G. VCF-style: chr8-69621116-C-G. GRCh37 (hg19) VCF-style: chr8-70533351-C-G.
Other names: c.1459C>G, p.Gln487Glu (NM_001128204.2, NM_001128206.2, NM_001412828.1 and 10 more transcripts); c.1330C>G, p.Gln444Glu (NM_001412832.1, NM_001412838.1, NM_001412839.1 and 1 more transcripts); c.1402C>G, p.Gln468Glu (NM_001412836.1, NM_001412837.1); c.1273C>G, p.Gln425Glu (NM_001412841.1, NM_001412842.1); c.859C>G, p.Gln287Glu (NM_001412844.1, NM_001412845.1); c.-333C>G (NM_001412846.1); short protein forms Q287E, Q425E, Q444E, Q487E, Q468E.
Identifiers: ClinVar variation 2715764 (VCV002715764.3), dbSNP rs372786570, ClinGen allele CA4775890.

ClinVar aggregate classification (germline): Uncertain significance (1 of 4 stars; one submission).

Allele frequency attached by ClinVar (database versions not stated): ESP Exome Variant Server 0.00008.
gnomAD v4.1: 120 of 1,613,994 alleles (0.0074%); highest among the groups gnomAD compares: Non-Finnish European, 0.0099%; no homozygotes.

Submission:

Labcorp Genetics (formerly Invitae), Labcorp
Classification: Uncertain significance. Last evaluated: 2025-09-22. Review status: criteria provided, single submitter. Criteria: Invitae Variant Classification Sherloc (09022015). Collection method: clinical testing. Allele origin: germline.
Comment: This sequence change replaces glutamine, which is neutral and polar, with glutamic acid, which is acidic and polar, at codon 487 of the SULF1 protein (p.Gln487Glu). This variant is present in population databases (rs372786570, gnomAD 0.006%). This variant has not been reported in the literature in individuals affected with SULF1-related conditions. ClinVar contains an entry for this variant (Variation ID: 2715764). An algorithm developed to predict the effect of missense changes on protein structure and function (PolyPhen-2) suggests that this variant is likely to be tolerated. In summary, the available evidence is currently insufficient to determine the role of this variant in disease. Therefore, it has been classified as a Variant of Uncertain Significance.